The following is an entry in ClinVar:

ClinVar aggregate classification (germline): Pathogenic. Review status: reviewed by expert panel (3 of 4 stars). 10 submissions from 10 submitters: Pathogenic (1). 9 of the submissions do not count toward it. Last evaluated 2016-09-08.

Conditions:
Familial cancer of breast. Also called: Hereditary breast cancer; hereditary breast carcinoma; BREAST CANCER, FAMILIAL. Identifiers: Orphanet 227535, MedGen C0346153, MONDO:0016419, OMIM 114480. Disease mechanism: loss of function.
Breast-ovarian cancer, familial, susceptibility to, 1 (BROVCA1). Also called: OVARIAN CANCER, SUSCEPTIBILITY TO; BRCA1 Hereditary Breast and Ovarian Cancer. Identifiers: Orphanet 145, MedGen C2676676, MONDO:0011450, OMIM 604370. Disease mechanism: loss of function.
Fanconi anemia, complementation group S (FANCS). Identifiers: MedGen C4554406, MONDO:0054748, OMIM 617883.
Hereditary cancer-predisposing syndrome. Also called: Tumor predisposition; Neoplastic Syndromes, Hereditary; Hereditary Cancer Syndrome; Hereditary neoplastic syndrome. Identifiers: Orphanet 140162, MedGen C0027672, MeSH D009386, MONDO:0015356.
Inherited ovarian cancer (without breast cancer).
Hereditary breast ovarian cancer syndrome. Also called: Hereditary breast and ovarian cancer syndrome (HBOC); Hereditary breast and ovarian cancer syndrome; Hereditary breast and ovarian cancer; Hereditary breast and/or ovarian cancer syndrome; Breast and ovarian cancer; BRCA1- and BRCA2-Associated Hereditary Breast and Ovarian Cancer. Identifiers: Orphanet 145, MedGen C0677776, MeSH D061325, MONDO:0003582. Disease mechanism: loss of function.

Allele frequency attached by ClinVar (database versions not stated): gnomAD exomes 0.00001; ExAC 0.00002.
gnomAD v4.1: 4 of 1,614,012 alleles (0.00025%); highest among the groups gnomAD compares: South Asian, 0.0033%; no homozygotes.

Submissions (10):

Evidence-based Network for the Interpretation of Germline Mutant Alleles (ENIGMA)
Classification: Pathogenic for Breast-ovarian cancer, familial, susceptibility to, 1. Last evaluated: 2016-09-08. Review status: reviewed by expert panel. Criteria: ENIGMA BRCA1/2 Classification Criteria (2015). Collection method: curation. Allele origin: germline.
Comment: Variant allele predicted to encode a truncated non-functional protein.

Genetics Laboratory, Great Ormond Street Hospital NHS Foundation Trust, North Thames Genomic Laboratory Hub
Classification: Pathogenic for Inherited ovarian cancer (without breast cancer). Last evaluated: 2025-10-03. Review status: criteria provided, single submitter. Criteria: CanVIG BRCA Gene Specific V1.22. Collection method: clinical testing. Allele origin: germline. Affected: yes. Not counted in ClinVar's aggregate classification.
Comment: PS4_supporting, PM2_supporting, PVS1_very-strong, PM5_strong, BP5_supporting

Labcorp Genetics (formerly Invitae), Labcorp
Classification: Pathogenic for Hereditary breast ovarian cancer syndrome. Last evaluated: 2025-03-20. Review status: criteria provided, single submitter. Criteria: Invitae Variant Classification Sherloc (09022015). Collection method: clinical testing. Allele origin: germline. Not counted in ClinVar's aggregate classification.
Comment: This sequence change creates a premature translational stop signal (p.Leu598*) in the BRCA1 gene. It is expected to result in an absent or disrupted protein product. Loss-of-function variants in BRCA1 are known to be pathogenic (PMID: 20104584). This variant is present in population databases (rs80357118, gnomAD 0.003%). This premature translational stop signal has been observed in individual(s) with a personal or family history of breast and/or ovarian cancer (PMID: 15951958, 27553291, 29339979, 29446198, 31528241). This variant is also known as c.1912T>G. ClinVar contains an entry for this variant (Variation ID: 54352). For these reasons, this variant has been classified as Pathogenic.

Ambry Genetics
Classification: Pathogenic for Hereditary cancer-predisposing syndrome. Last evaluated: 2025-02-01. Review status: criteria provided, single submitter. Criteria: Ambry Variant Classification Scheme 2023. Collection method: clinical testing. Allele origin: germline. Not counted in ClinVar's aggregate classification.
Comment: The p.L598* pathogenic mutation (also known as c.1793T>G), located in coding exon 9 of the BRCA1 gene, results from a T to G substitution at nucleotide position 1793. This changes the amino acid from a leucine to a stop codon within coding exon 9. This alteration is expected to result in loss of function by premature protein truncation or nonsense-mediated mRNA decay. As such, this alteration is interpreted as a disease-causing mutation.

Department of Pathology and Laboratory Medicine, Sinai Health System
Classification: Pathogenic for Familial cancer of breast; Breast-ovarian cancer, familial, susceptibility to, 1; Fanconi anemia, complementation group S. Last evaluated: 2024-10-31. Review status: criteria provided, single submitter. Criteria: ACMG Guidelines, 2015. Collection method: clinical testing. Allele origin: germline. Affected: yes. Not counted in ClinVar's aggregate classification.

Color Diagnostics, LLC DBA Color Health
Classification: Pathogenic for Hereditary cancer-predisposing syndrome. Last evaluated: 2020-01-15. Review status: criteria provided, single submitter. Criteria: ACMG Guidelines, 2015. Collection method: clinical testing. Allele origin: germline. Not counted in ClinVar's aggregate classification.
Comment: This variant changes 1 nucleotide in exon 10 of the BRCA1 gene, creating a premature translation stop signal. This variant is expected to result in an absent or non-functional protein product. This variant has been identified in 2/251084 chromosomes in the general population by the Genome Aggregation Database (gnomAD). Loss of BRCA1 function is a known mechanism of disease. Based on the available evidence, this variant is classified as Pathogenic.

Consortium of Investigators of Modifiers of BRCA1/2 (CIMBA), c/o University of Cambridge
Classification: Pathogenic for Breast-ovarian cancer, familial, susceptibility to, 1. Last evaluated: 2015-10-02. Review status: criteria provided, single submitter. Criteria: CIMBA Mutation Classification guidelines May 2016. Collection method: clinical testing. Allele origin: germline. Not counted in ClinVar's aggregate classification.

Department of Medical Genetics, Oslo University Hospital
Classification: Pathogenic for Breast-ovarian cancer, familial, susceptibility to, 1. Last evaluated: 2015-07-01. Review status: criteria provided, single submitter. Criteria: ACMG Guidelines, 2015. Collection method: clinical testing. Allele origin: germline. Affected: yes. Observed: 4 variant alleles. Not counted in ClinVar's aggregate classification.

BRCAlab, Lund University
Classification: Pathogenic for Breast-ovarian cancer, familial, susceptibility to, 1. Last evaluated: 2022-08-26. Review status: no assertion criteria provided. Collection method: clinical testing. Allele origin: germline. Affected: yes. Not counted in ClinVar's aggregate classification.

Breast Cancer Information Core (BIC) (BRCA1)
Classification: Pathogenic for Breast-ovarian cancer, familial 1. Last evaluated: 2002-05-29. Review status: no assertion criteria provided. Collection method: clinical testing. Allele origin: germline. Affected: yes. Observed: 1 variant allele. Not counted in ClinVar's aggregate classification.

Literature cited by the submitters: PubMed 20104584 (cited by Labcorp Genetics (formerly Invitae), Labcorp); PubMed 15951958 (cited by 3 submitters); PubMed 27553291 (cited by Labcorp Genetics (formerly Invitae), Labcorp and Department of Pathology and Laboratory Medicine, Sinai Health System); PubMed 29339979 (cited by Labcorp Genetics (formerly Invitae), Labcorp and Department of Pathology and Laboratory Medicine, Sinai Health System); PubMed 29446198 (cited by Labcorp Genetics (formerly Invitae), Labcorp); PubMed 31528241 (cited by Labcorp Genetics (formerly Invitae), Labcorp and Department of Pathology and Laboratory Medicine, Sinai Health System); PubMed 12181777 (cited by Ambry Genetics); PubMed 21709188 (cited by Ambry Genetics); PubMed 25366421 (cited by Ambry Genetics).

NM_007294.4(BRCA1):c.1793T>G (p.Leu598Ter)

Gene: BRCA1 (BRCA1 DNA repair associated; minus strand). Cytogenetic location: 17q21.31.
Variant type: single nucleotide variant.
Coding change: c.1793T>G on transcript NM_007294.4 (MANE Select); coding-DNA position 1793, T replaced by G.
Protein change: p.Leu598Ter; replaces leucine 598 with a stop codon.
Molecular consequence: nonsense. On other transcripts: intron variant (137).
Genome position (GRCh38, 1-based): chr17:43,093,738, A>C on the plus strand (T>G on the coding strand, the complement: BRCA1 is on the minus strand). VCF-style: chr17-43093738-A-C. GRCh37 (hg19) VCF-style: chr17-41245755-A-C.
Other names: c.1529T>G, p.Leu510Ter (NM_001407933.1, NM_001407935.1, NM_001407920.1 and 9 more transcripts); c.1526T>G, p.Leu509Ter (NM_001407934.1, NM_001407936.1, NM_001407930.1 and 2 more transcripts); c.1670T>G, p.Leu557Ter (NM_001407937.1, NM_001407938.1, NM_001407939.1 and 19 more transcripts); c.1667T>G, p.Leu556Ter (NM_001407940.1, NM_001407941.1, NM_001407649.1 and 11 more transcripts); c.1652T>G, p.Leu551Ter (NM_001407942.1, NM_001407944.1, NM_001407945.1 and 29 more transcripts); c.1649T>G, p.Leu550Ter (NM_001407943.1, NM_001407964.1, NM_001407740.1 and 20 more transcripts); c.1460T>G, p.Leu487Ter (NM_001407946.1, NM_001407947.1, NM_001407948.1 and 6 more transcripts); c.1457T>G, p.Leu486Ter (NM_001407954.1, NM_001407955.1, NM_001407956.1 and 1 more transcripts); and 40 more; short protein forms L598*, L551*, L531*, L572*, L486*, L487*, L510*, L527*.
Identifiers: ClinVar variation 54352 (VCV000054352.39), dbSNP rs80357118, ClinGen allele CA001164.
Genomic context (GRCh38, chr17:43,093,738, plus strand): 5'-CTGGTAGAAGACTTCCTCCTCAGCCTATTCTTTTTAGGTGCTTTTGAATTGTGGATATTT[A>C]ATTCGAGTTCCATATTGCTTATACTGCTGCTTATAGGTTCAGCTTTCGTTTTGAAAGCAG-3'